The following is an entry in ClinVar:

NM_001349253.2(SCN11A):c.2716A>G (p.Thr906Ala)

Gene: SCN11A (sodium voltage-gated channel alpha subunit 11; minus strand). Cytogenetic location: 3p22.2.
Variant type: single nucleotide variant.
Coding change: c.2716A>G on transcript NM_001349253.2 (MANE Select); coding-DNA position 2716, A replaced by G.
Protein change: p.Thr906Ala; replaces threonine 906 with alanine.
Molecular consequence: missense variant.
Genome position (GRCh38, 1-based): chr3:38,894,652, T>C on the plus strand (A>G on the coding strand, the complement: SCN11A is on the minus strand). VCF-style: chr3-38894652-T-C. GRCh37 (hg19) VCF-style: chr3-38936143-T-C.
Other names: c.2716A>G, p.Thr906Ala (NM_014139.3); short protein forms T906A.
Identifiers: ClinVar variation 1795113 (VCV001795113.2), dbSNP rs2065559859, ClinGen allele CA352174539.

ClinVar aggregate classification (germline): Uncertain significance (1 of 4 stars; one submission).

Conditions:
Inborn genetic diseases. Identifiers: MedGen C0950123, MeSH D030342.

Allele frequency attached by ClinVar (database versions not stated): gnomAD exomes below 0.00001; gnomAD 0.00001.
gnomAD v4.1: 7 of 1,613,988 alleles (0.00043%); highest among the groups gnomAD compares: South Asian, 0.0011%; no homozygotes.

Submission:

Ambry Genetics
Classification: Uncertain significance for Inborn genetic diseases. Last evaluated: 2022-02-21. Review status: criteria provided, single submitter. Criteria: Ambry Variant Classification Scheme 2023. Collection method: clinical testing. Allele origin: germline.
Comment: The p.T906A variant (also known as c.2716A>G), located in coding exon 15 of the SCN11A gene, results from an A to G substitution at nucleotide position 2716. The threonine at codon 906 is replaced by alanine, an amino acid with similar properties. This amino acid position is conserved. In addition, this alteration is predicted to be tolerated by in silico analysis. Since supporting evidence is limited at this time, the clinical significance of this alteration remains unclear.